The following is an entry in ClinVar:

NM_000038.6(APC):c.1177_1180del (p.Gln394fs)

Gene: APC (APC regulator of Wnt signaling pathway; plus strand). Cytogenetic location: 5q22.2.
Variant type: Microsatellite.
Coding change: c.1177_1180del on transcript NM_000038.6 (MANE Select); coding-DNA positions 1177 to 1180, 4 bases deleted (TCAC; older notation c.1177_1180delTCAC).
Protein change: p.Gln394fs; shifts the reading frame from glutamine 394.
Molecular consequence: frameshift variant. On other transcripts: non-coding transcript variant (2), intron variant (15).
Genome position (GRCh38, 1-based): chr5:112,819,209-112,819,212, TCAC deleted; deleting any 4 consecutive bases within chr5:112,819,205-112,819,212 gives the same sequence; the c. name uses the placement nearest the transcript's 3' end. VCF-style (leftmost placement, unchanged base first): chr5-112819204-TTCAC-T. GRCh37 (hg19) VCF-style: chr5-112154901-TTCAC-T.
Other names: c.1177_1180del, p.Gln394fs (NM_001407449.1, NM_001407450.1, NM_001407447.1 and 4 more transcripts); c.1102_1105del, p.Gln369fs (NM_001407451.1, NM_001354898.2); c.1093_1096del, p.Gln366fs (NM_001407452.1, NM_001354899.2); c.1000_1003del, p.Gln335fs (NM_001407453.1, NM_001354900.2, NM_001354901.2); c.328_331del, p.Gln111fs (NM_001407470.1, NM_001354906.2); c.85-60_85-57del (NM_001407472.1, NM_001407471.1); c.934-60_934-57del (NM_001407456.1, NM_001407460.1, NM_001407457.1 and 5 more transcripts); c.1207_1210del, p.Gln404fs (NM_001407446.1, NM_001354897.2); and 5 more; short protein forms Q335fs, Q369fs, Q111fs, Q366fs, Q394fs, Q404fs, Q376fs.
Identifiers: ClinVar variation 5025972 (VCV005025972.1).

ClinVar aggregate classification (germline): Pathogenic (1 of 4 stars; one submission).

Conditions:
Hereditary cancer-predisposing syndrome. Also called: Neoplastic Syndromes, Hereditary; Tumor predisposition; Hereditary neoplastic syndrome; Hereditary Cancer Syndrome. Identifiers: Orphanet 140162, MedGen C0027672, MeSH D009386, MONDO:0015356.

Submission:

Ambry Genetics
Classification: Pathogenic for Hereditary cancer-predisposing syndrome. Last evaluated: 2026-08-28. Review status: criteria provided, single submitter. Criteria: Ambry Variant Classification Scheme 2023. Collection method: clinical testing. Allele origin: germline.
Comment: The c.1177_1180delTCAC pathogenic mutation, located in coding exon 9 of the APC gene, results from a deletion of 4 nucleotides at nucleotide positions 1177 to 1180, causing a translational frameshift with a predicted alternate stop codon (p.Q394Lfs*59). This variant is considered to be rare based on population cohorts in the Genome Aggregation Database (gnomAD). This alteration is expected to result in loss of function by premature protein truncation or nonsense-mediated mRNA decay. As such, this alteration is interpreted as a disease-causing mutation.